The following is an entry in ClinVar:

ClinVar aggregate classification (germline): Uncertain significance (1 of 4 stars; one submission).

gnomAD v4.1: 2 of 1,613,892 alleles (0.00012%); highest among the groups gnomAD compares: Non-Finnish European, 0.00017%; no homozygotes.

Submission:

Labcorp Genetics (formerly Invitae), Labcorp
Classification: Uncertain significance. Last evaluated: 2022-05-03. Review status: criteria provided, single submitter. Criteria: Invitae Variant Classification Sherloc (09022015). Collection method: clinical testing. Allele origin: germline.
Comment: In summary, the available evidence is currently insufficient to determine the role of this variant in disease. Therefore, it has been classified as a Variant of Uncertain Significance. Algorithms developed to predict the effect of missense changes on protein structure and function output the following: SIFT: "Tolerated"; PolyPhen-2: "Benign"; Align-GVGD: "Class C0". The arginine amino acid residue is found in multiple mammalian species, which suggests that this missense change does not adversely affect protein function. This variant has not been reported in the literature in individuals affected with TRAF3IP1-related conditions. This variant is not present in population databases (gnomAD no frequency). This sequence change replaces lysine, which is basic and polar, with arginine, which is basic and polar, at codon 553 of the TRAF3IP1 protein (p.Lys553Arg).

NM_015650.4(TRAF3IP1):c.1658A>G (p.Lys553Arg)

Gene: TRAF3IP1 (TRAF3 interacting protein 1; plus strand). Cytogenetic location: 2q37.3.
Variant type: single nucleotide variant.
Coding change: c.1658A>G on transcript NM_015650.4 (MANE Select); coding-DNA position 1658, A replaced by G.
Protein change: p.Lys553Arg; replaces lysine 553 with arginine.
Molecular consequence: missense variant.
Genome position (GRCh38, 1-based): chr2:238,356,049, A>G. VCF-style: chr2-238356049-A-G. GRCh37 (hg19) VCF-style: chr2-239264690-A-G.
Other names: c.1460A>G, p.Lys487Arg (NM_001139490.1); short protein forms K487R, K553R.
Identifiers: ClinVar variation 2092238 (VCV002092238.4), dbSNP rs988109528, ClinGen allele CA67959767.